The following is an entry in ClinVar:

NM_001401501.2(MUC16):c.33850A>T (p.Thr11284Ser)

Gene: MUC16 (mucin 16, cell surface associated; minus strand). Cytogenetic location: 19p13.2.
Variant type: single nucleotide variant.
Coding change: c.33850A>T on transcript NM_001401501.2 (MANE Select); coding-DNA position 33850, A replaced by T.
Protein change: p.Thr11284Ser; replaces threonine 11284 with serine.
Molecular consequence: missense variant.
Genome position (GRCh38, 1-based): chr19:8,937,225, T>A on the plus strand (A>T on the coding strand, the complement: MUC16 is on the minus strand). VCF-style: chr19-8937225-T-A. GRCh37 (hg19) VCF-style: chr19-9047901-T-A.
Other names: c.34276A>T, p.Thr11426Ser (NM_001414686.1); c.33730A>T, p.Thr11244Ser (NM_001414687.1, NM_024690.2); short protein forms T11244S, T11284S, T11426S.
Identifiers: ClinVar variation 3050518 (VCV003050518.2), dbSNP rs148426011, ClinGen allele CA9166352.
Genomic context (GRCh38, chr19:8,937,225, plus strand): 5'-TATTTGTAAACGGCTCACCAGTGGAGACAGTCAAAGTTGGAACAACAGAACTTGCTTCTG[T>A]CCCAGGATGAGCGACCCATGAGTCTATGGTCTCTGGTTGACTTGAGGCAACAGTTAGATT-3'
Protein context (NP_001388430.1, residues 11274-11294): TIDSWVAHPG[Thr11284Ser]EASSVVPTLT

ClinVar aggregate classification (germline): Likely benign (0 of 4 stars; one submission).

Conditions:
MUC16-related disorder. Also called: MUC16-related condition.

Allele frequency attached by ClinVar (database versions not stated): gnomAD exomes 0.00017; ExAC 0.00044; ESP Exome Variant Server 0.00157; gnomAD 0.00166; 1000 Genomes Project 30x 0.00187; TOPMed 0.00203; 1000 Genomes Project 0.00220.

Submission:

PreventionGenetics, part of Exact Sciences
Classification: Likely benign for MUC16-related condition. Last evaluated: 2019-10-28. Review status: no assertion criteria provided. Collection method: clinical testing. Allele origin: germline.
Comment: This variant is classified as likely benign based on ACMG/AMP sequence variant interpretation guidelines (Richards et al. 2015 PMID: 25741868, with internal and published modifications).